The following is an entry in ClinVar:

ClinVar aggregate classification (germline): Conflicting classifications of pathogenicity. Review status: criteria provided, conflicting classifications (1 of 4 stars). 2 submissions from 2 submitters: Uncertain significance (1); Likely benign (1). Last evaluated 2025-09-01.

Conditions:
Hereditary cancer-predisposing syndrome. Also called: Hereditary neoplastic syndrome; Neoplastic Syndromes, Hereditary; Hereditary Cancer Syndrome; Tumor predisposition. Identifiers: Orphanet 140162, MedGen C0027672, MeSH D009386, MONDO:0015356.

Submissions (2):

Labcorp Genetics (formerly Invitae), Labcorp
Classification: Uncertain significance. Last evaluated: 2025-09-01. Review status: criteria provided, single submitter. Criteria: Invitae Variant Classification Sherloc (09022015). Collection method: clinical testing. Allele origin: germline.
Comment: This sequence change replaces glutamic acid, which is acidic and polar, with lysine, which is basic and polar, at codon 1417 of the POLE protein (p.Glu1417Lys). This variant is not present in population databases (gnomAD no frequency). This variant has not been reported in the literature in individuals affected with POLE-related conditions. ClinVar contains an entry for this variant (Variation ID: 1720560). Invitae Evidence Modeling of protein sequence and biophysical properties (such as structural, functional, and spatial information, amino acid conservation, physicochemical variation, residue mobility, and thermodynamic stability) indicates that this missense variant is not expected to disrupt POLE protein function with a negative predictive value of 80%. In summary, the available evidence is currently insufficient to determine the role of this variant in disease. Therefore, it has been classified as a Variant of Uncertain Significance.

Ambry Genetics
Classification: Likely benign for Hereditary cancer-predisposing syndrome. Last evaluated: 2025-01-29. Review status: criteria provided, single submitter. Criteria: Ambry Variant Classification Scheme 2023. Collection method: clinical testing. Allele origin: germline.

NM_006231.4(POLE):c.4249G>A (p.Glu1417Lys)

Gene: POLE (DNA polymerase epsilon, catalytic subunit; minus strand). Cytogenetic location: 12q24.33.
Variant type: single nucleotide variant.
Coding change: c.4249G>A on transcript NM_006231.4 (MANE Select); coding-DNA position 4249, G replaced by A.
Protein change: p.Glu1417Lys; replaces glutamic acid 1417 with lysine.
Molecular consequence: missense variant.
Genome position (GRCh38, 1-based): chr12:132,643,878, C>T on the plus strand (G>A on the coding strand, the complement: POLE is on the minus strand). VCF-style: chr12-132643878-C-T. GRCh37 (hg19) VCF-style: chr12-133220464-C-T.
Other names: short protein forms E1417K.
Identifiers: ClinVar variation 1720560 (VCV001720560.9), dbSNP rs1593735965, ClinGen allele CA387381957.